The following is an entry in ClinVar:

ClinVar aggregate classification (germline): Uncertain significance (1 of 4 stars; one submission).

Submission:

GeneDx
Classification: Uncertain significance. Last evaluated: 2019-05-28. Review status: criteria provided, single submitter. Criteria: GeneDx Variant Classification Process June 2021. Collection method: clinical testing. Allele origin: germline. Affected: yes.
Comment: Not observed in large population cohorts (Lek et al., 2016); In silico analysis, which includes protein predictors and evolutionary conservation, supports that this variant does not alter protein structure/function; Has not been previously published as pathogenic or benign to our knowledge

NM_013275.6(ANKRD11):c.412A>G (p.Lys138Glu)

Gene: ANKRD11 (ankyrin repeat domain containing 11; minus strand). Cytogenetic location: 16q24.3.
Variant type: single nucleotide variant.
Coding change: c.412A>G on transcript NM_013275.6 (MANE Select); coding-DNA position 412, A replaced by G.
Protein change: p.Lys138Glu; replaces lysine 138 with glutamic acid.
Molecular consequence: missense variant. On other transcripts: non-coding transcript variant (1).
Genome position (GRCh38, 1-based): chr16:89,290,814, T>C on the plus strand (A>G on the coding strand, the complement: ANKRD11 is on the minus strand). VCF-style: chr16-89290814-T-C. GRCh37 (hg19) VCF-style: chr16-89357222-T-C.
Other names: c.412A>G, p.Lys138Glu (NM_001256182.2, NM_001256183.2); short protein forms K138E.
Identifiers: ClinVar variation 1305979 (VCV001305979.2), dbSNP rs2151797031, ClinGen allele CA397167516.